The following is an entry in ClinVar:

ClinVar aggregate classification (germline): Uncertain significance (1 of 4 stars; one submission).

Conditions:
3-Oxo-5 alpha-steroid delta 4-dehydrogenase deficiency (PPSH). Also called: PSEUDOVAGINAL PERINEOSCROTAL HYPOSPADIAS; FAMILIAL INCOMPLETE MALE PSEUDOHERMAPHRODITISM, TYPE 2; MALE PSEUDOHERMAPHRODITISM DUE TO 5-ALPHA-REDUCTASE DEFICIENCY; 46,XY disorder of sex development due to 5-alpha-reductase 2 deficiency. Identifiers: Orphanet 753, MedGen C0268297, MONDO:0009923, OMIM 264600. Disease mechanism: loss of function.

Allele frequency attached by ClinVar (database versions not stated): TOPMed below 0.00001; gnomAD exomes 0.00001; ExAC 0.00003.
gnomAD v4.1: 8 of 1,560,920 alleles (0.00051%); highest among the groups gnomAD compares: East Asian, 0.018%; no homozygotes.

Submission:

Victorian Clinical Genetics Services, Murdoch Childrens Research Institute
Classification: Uncertain significance for 3-Oxo-5 alpha-steroid delta 4-dehydrogenase deficiency. Last evaluated: 2021-05-06. Review status: criteria provided, single submitter. Criteria: ACMG Guidelines, 2015. Collection method: clinical testing. Allele origin: germline. Inheritance: Autosomal recessive inheritance.
Comment: Based on the classification scheme VCGS_Germline_v1.3.4, this variant is classified as VUS-3C. Following criteria are met: 0102 - Loss of function is a known mechanism of disease in this gene and is associated with pseudovaginal perineoscrotal hypospadias (MIM#264600). (I) 0106 - This gene is associated with autosomal recessive disease. (I) 0212 - Non-canonical splice site variant without proven consequence on splicing (no functional evidence available). (SP) 0251 - This variant is heterozygous. (I) 0304 - Variant is present in gnomAD (v2) <0.01 for a recessive condition (6 heterozygotes, 0 homozygotes). (SP) 0506 - Abnormal splicing is not predicted and nucleotide is poorly conserved. (SB) 0705 - No comparable non-canonical splice site variants have previous evidence for pathogenicity. (I) 0807 - This variant has no previous evidence of pathogenicity. (I) 0905 - No published segregation evidence has been identified for this variant. (I) 1007 - No published functional evidence has been identified for this variant. (I) 1102 - Strong phenotype match for this individual. (SP) 1208 - Inheritance information for this variant is not currently available in this individual. (I) Legend: (SP) - Supporting pathogenic, (I) - Information, (SB) - Supporting benign

NM_000348.4(SRD5A2):c.699-3T>C

Gene: SRD5A2 (steroid 5 alpha-reductase 2; minus strand). Cytogenetic location: 2p23.1.
Variant type: single nucleotide variant.
Coding change: c.699-3T>C on transcript NM_000348.4 (MANE Select); 3 bases into the intron before coding-DNA position 699, T replaced by C.
Molecular consequence: intron variant.
Genome position (GRCh38, 1-based): chr2:31,526,265, A>G on the plus strand (T>C on the coding strand, the complement: SRD5A2 is on the minus strand). VCF-style: chr2-31526265-A-G. GRCh37 (hg19) VCF-style: chr2-31751335-A-G.
Identifiers: ClinVar variation 1804991 (VCV001804991.1), dbSNP rs764270833, ClinGen allele CA1599851.